The following is an entry in ClinVar:

NM_000506.5(F2):c.423-7G>A

Gene: F2 (coagulation factor II, thrombin; plus strand). Cytogenetic location: 11p11.2.
Variant type: single nucleotide variant.
Coding change: c.423-7G>A on transcript NM_000506.5 (MANE Select); 7 bases into the intron before coding-DNA position 423, G replaced by A.
Molecular consequence: intron variant.
Genome position (GRCh38, 1-based): chr11:46,723,375, G>A. VCF-style: chr11-46723375-G-A. GRCh37 (hg19) VCF-style: chr11-46744925-G-A.
Other names: c.423-7G>A (NM_000506.4).
Identifiers: ClinVar variation 4754709 (VCV004754709.3).

ClinVar aggregate classification (germline): Likely benign. Review status: criteria provided, multiple submitters, no conflicts (2 of 4 stars). 3 submissions from 3 submitters: Likely benign (3). Last evaluated 2025-09-22.

Conditions:
F2-related disorder. Also called: F2-related condition; F2-related disorders.
Congenital prothrombin deficiency. Also called: HYPOPROTHROMBINEMIA; Inherited hypoprothrombinemia; Congenital factor II deficiency; Inherited prothrombin deficiency; Factor II deficiency; Hereditary factor II deficiency disease. Identifiers: Orphanet 325, MedGen C0272317, MONDO:0013361, OMIM 613679.

gnomAD v4.1: 1 of 1,613,396 alleles (0.000062%); no homozygotes.

Submissions (3):

Labcorp Genetics (formerly Invitae), Labcorp
Classification: Likely benign for Congenital prothrombin deficiency. Last evaluated: 2025-09-22. Review status: criteria provided, single submitter. Criteria: Invitae Variant Classification Sherloc (09022015). Collection method: clinical testing. Allele origin: germline.

PreventionGenetics, part of Exact Sciences
Classification: Likely benign for F2-related condition. Last evaluated: 2024-10-31. Review status: criteria provided, single submitter. Criteria: ACMG Guidelines, 2015. Collection method: clinical testing. Allele origin: germline.
Comment: This variant is classified as likely benign based on ACMG/AMP sequence variant interpretation guidelines (Richards et al. 2015 PMID: 25741868, with internal and published modifications).

Blueprint Genetics
Classification: Likely benign. Last evaluated: 2023-02-10. Review status: criteria provided, single submitter. Criteria: ACMG Guidelines, 2015. Collection method: clinical testing. Allele origin: germline.